The following is an entry in ClinVar:

ClinVar aggregate classification (germline): Uncertain significance (1 of 4 stars; one submission).

Allele frequency attached by ClinVar (database versions not stated): TOPMed below 0.00001; gnomAD 0.00001; gnomAD exomes 0.00001.

Submission:

Labcorp Genetics (formerly Invitae), Labcorp
Classification: Uncertain significance. Last evaluated: 2024-05-22. Review status: criteria provided, single submitter. Criteria: Invitae Variant Classification Sherloc (09022015). Collection method: clinical testing. Allele origin: germline.
Comment: This sequence change falls in intron 26 of the COL18A1 gene. It does not directly change the encoded amino acid sequence of the COL18A1 protein. It affects a nucleotide within the consensus splice site. This variant is present in population databases (no rsID available, gnomAD 0.004%). This variant has not been reported in the literature in individuals affected with COL18A1-related conditions. ClinVar contains an entry for this variant (Variation ID: 1523675). Variants that disrupt the consensus splice site are a relatively common cause of aberrant splicing (PMID: 17576681, 9536098). Algorithms developed to predict the effect of sequence changes on RNA splicing suggest that this variant is not likely to affect RNA splicing. In summary, the available evidence is currently insufficient to determine the role of this variant in disease. Therefore, it has been classified as a Variant of Uncertain Significance.

Literature cited by the submitters: PubMed 17576681; PubMed 9536098.

NM_001379500.1(COL18A1):c.2352+5G>A

Gene: COL18A1 (collagen type XVIII alpha 1 chain; plus strand). Cytogenetic location: 21q22.3.
Variant type: single nucleotide variant.
Coding change: c.2352+5G>A on transcript NM_001379500.1 (MANE Select); 5 bases into the intron after coding-DNA position 2352, G replaced by A.
Molecular consequence: intron variant.
Genome position (GRCh38, 1-based): chr21:45,493,580, G>A. VCF-style: chr21-45493580-G-A. GRCh37 (hg19) VCF-style: chr21-46913494-G-A.
Other names: c.3597+5G>A (NM_130444.3); c.2892+5G>A (NM_030582.4).
Identifiers: ClinVar variation 1523675 (VCV001523675.6), dbSNP rs1267906332, ClinGen allele CA638163982.